The following is an entry in ClinVar:

ClinVar aggregate classification (germline): Uncertain significance. Review status: criteria provided, multiple submitters, no conflicts (2 of 4 stars). 2 submissions from 2 submitters: Uncertain significance (2). Last evaluated 2024-10-29.

Conditions:
Inborn genetic diseases. Identifiers: MedGen C0950123, MeSH D030342.

Allele frequency attached by ClinVar (database versions not stated): gnomAD 0.00004; TOPMed 0.00008.
gnomAD v4.1: 10 of 1,613,910 alleles (0.00062%); highest among the groups gnomAD compares: Admixed American, 0.013%; no homozygotes.

Submissions (2):

Labcorp Genetics (formerly Invitae), Labcorp
Classification: Uncertain significance. Last evaluated: 2024-10-29. Review status: criteria provided, single submitter. Criteria: Invitae Variant Classification Sherloc (09022015). Collection method: clinical testing. Allele origin: germline.
Comment: This sequence change replaces lysine, which is basic and polar, with isoleucine, which is neutral and non-polar, at codon 778 of the VCAN protein (p.Lys778Ile). This variant is not present in population databases (gnomAD no frequency). This variant has not been reported in the literature in individuals affected with VCAN-related conditions. ClinVar contains an entry for this variant (Variation ID: 967917). An algorithm developed to predict the effect of missense changes on protein structure and function (PolyPhen-2) suggests that this variant is likely to be disruptive. In summary, the available evidence is currently insufficient to determine the role of this variant in disease. Therefore, it has been classified as a Variant of Uncertain Significance.

Ambry Genetics
Classification: Uncertain significance for Inborn genetic diseases. Last evaluated: 2024-04-15. Review status: criteria provided, single submitter. Criteria: Ambry Variant Classification Scheme 2023. Collection method: clinical testing. Allele origin: germline.

NM_004385.5(VCAN):c.2333A>T (p.Lys778Ile)

Gene: VCAN (versican; plus strand). Cytogenetic location: 5q14.3.
Variant type: single nucleotide variant.
Coding change: c.2333A>T on transcript NM_004385.5 (MANE Select); coding-DNA position 2333, A replaced by T.
Protein change: p.Lys778Ile; replaces lysine 778 with isoleucine.
Molecular consequence: missense variant. On other transcripts: intron variant (2).
Genome position (GRCh38, 1-based): chr5:83,520,639, A>T. VCF-style: chr5-83520639-A-T. GRCh37 (hg19) VCF-style: chr5-82816458-A-T.
Other names: c.2333A>T, p.Lys778Ile (NM_001164098.2); c.1042+8243A>T (NM_001164097.2, NM_001126336.3); short protein forms K778I.
Identifiers: ClinVar variation 967917 (VCV000967917.10), dbSNP rs900843134, ClinGen allele CA121792203.